The following is an entry in ClinVar:

ClinVar aggregate classification (germline): Uncertain significance. Review status: criteria provided, multiple submitters, no conflicts (2 of 4 stars). 2 submissions from 2 submitters: Uncertain significance (2). Last evaluated 2024-01-12.

Allele frequency attached by ClinVar (database versions not stated): gnomAD 0.00001; gnomAD exomes 0.00002 and 0.00004; ExAC 0.00004.
gnomAD v4.1: 34 of 1,613,998 alleles (0.0021%); highest among the groups gnomAD compares: South Asian, 0.02%; no homozygotes.

Submissions (2):

Blueprint Genetics
Classification: Uncertain significance. Last evaluated: 2024-01-12. Review status: criteria provided, single submitter. Criteria: ACMG Guidelines, 2015. Collection method: clinical testing. Allele origin: germline.

Labcorp Genetics (formerly Invitae), Labcorp
Classification: Uncertain significance. Last evaluated: 2022-09-19. Review status: criteria provided, single submitter. Criteria: Invitae Variant Classification Sherloc (09022015). Collection method: clinical testing. Allele origin: germline.
Comment: In summary, the available evidence is currently insufficient to determine the role of this variant in disease. Therefore, it has been classified as a Variant of Uncertain Significance. Variants that disrupt the consensus splice site are a relatively common cause of aberrant splicing (PMID: 17576681, 9536098). Algorithms developed to predict the effect of sequence changes on RNA splicing suggest that this variant may disrupt the consensus splice site. ClinVar contains an entry for this variant (Variation ID: 1510707). This sequence change falls in intron 30 of the DNAH9 gene. It does not directly change the encoded amino acid sequence of the DNAH9 protein. It affects a nucleotide within the consensus splice site. This variant is present in population databases (rs761521334, gnomAD 0.02%). This variant has not been reported in the literature in individuals affected with DNAH9-related conditions.

Literature cited by the submitters: PubMed 17576681 (cited by Labcorp Genetics (formerly Invitae), Labcorp); PubMed 9536098 (cited by Labcorp Genetics (formerly Invitae), Labcorp).

NM_001372.4(DNAH9):c.6111+3A>G

Gene: DNAH9 (dynein axonemal heavy chain 9; plus strand). Cytogenetic location: 17p12.
Variant type: single nucleotide variant.
Coding change: c.6111+3A>G on transcript NM_001372.4 (MANE Select); 3 bases into the intron after coding-DNA position 6111, A replaced by G.
Molecular consequence: intron variant.
Genome position (GRCh38, 1-based): chr17:11,742,316, A>G. VCF-style: chr17-11742316-A-G. GRCh37 (hg19) VCF-style: chr17-11645633-A-G.
Identifiers: ClinVar variation 1510707 (VCV001510707.7), dbSNP rs761521334, ClinGen allele CA8396203.
Genomic context (GRCh38, chr17:11,742,316, plus strand): 5'-ATTAGCCAGAAAGTTCATCACTCTTTACCAGTTGTGCAAAGAGCTTCTCTCCAAACAGGT[A>G]GGATCTCTAGGGAGGCTGTACAACCAAGCACCGTGCAACAGCCCCAGCTCTGGAAAAGTT-3'